The following is an entry in ClinVar:

ClinVar aggregate classification (germline): Uncertain significance (1 of 4 stars; one submission).

Conditions:
Inborn genetic diseases. Identifiers: MedGen C0950123, MeSH D030342.

Submission:

Ambry Genetics
Classification: Uncertain significance for Inborn genetic diseases. Last evaluated: 2025-07-05. Review status: criteria provided, single submitter. Criteria: Ambry Variant Classification Scheme 2023. Collection method: clinical testing. Allele origin: germline.
Comment: The p.Q1467L variant (also known as c.4400A>T), located in coding exon 1 of the SAMD9 gene, results from an A to T substitution at nucleotide position 4400. The glutamine at codon 1467 is replaced by leucine, an amino acid with dissimilar properties. This amino acid position is conserved. In addition, this alteration is predicted to be tolerated by in silico analysis. Based on the available evidence, the clinical significance of this variant remains unclear.

NM_017654.4(SAMD9):c.4400A>T (p.Gln1467Leu)

Gene: SAMD9 (sterile alpha motif domain containing 9; minus strand). Cytogenetic location: 7q21.2.
Variant type: single nucleotide variant.
Coding change: c.4400A>T on transcript NM_017654.4 (MANE Select); coding-DNA position 4400, A replaced by T.
Protein change: p.Gln1467Leu; replaces glutamine 1467 with leucine.
Molecular consequence: missense variant.
Genome position (GRCh38, 1-based): chr7:93,101,698, T>A on the plus strand (A>T on the coding strand, the complement: SAMD9 is on the minus strand). VCF-style: chr7-93101698-T-A. GRCh37 (hg19) VCF-style: chr7-92731011-T-A.
Other names: c.4400A>T, p.Gln1467Leu (NM_001193307.2); short protein forms Q1467L.
Identifiers: ClinVar variation 4159063 (VCV004159063.1).